The following is an entry in ClinVar:

NM_001354930.2(RIPK1):c.271_273del (p.Val91del)

Gene: RIPK1 (receptor interacting serine/threonine kinase 1; plus strand). Cytogenetic location: 6p25.2.
Variant type: Deletion.
Coding change: c.271_273del on transcript NM_001354930.2 (MANE Select); coding-DNA positions 271 to 273, 3 bases deleted (GTG; older notation c.271_273delGTG).
Protein change: p.Val91del; deletes valine 91.
Molecular consequence: inframe deletion. On other transcripts: 5 prime UTR variant (4).
Genome position (GRCh38, 1-based): chr6:3,077,885-3,077,887, GTG deleted; deleting any 3 consecutive bases within chr6:3,077,883-3,077,887 gives the same sequence; the c. name uses the placement nearest the transcript's 3' end. VCF-style (leftmost placement, unchanged base first): chr6-3077882-CTGG-C. GRCh37 (hg19) VCF-style: chr6-3078116-CTGG-C.
Other names: c.-333_-331del (NM_001317061.3, NM_001354932.2, NM_001354933.2 and 1 more transcripts); c.271_273del, p.Val91del (NM_001354931.2, NM_003804.6); short protein forms V91del.
Identifiers: ClinVar variation 4813553 (VCV004813553.1).

ClinVar aggregate classification (germline): Uncertain significance (1 of 4 stars; one submission).

Conditions:
Immunodeficiency 57. Also called: IMMUNODEFICIENCY 57 WITH AUTOINFLAMMATION. Identifiers: MedGen C4748212, MONDO:0020849, OMIM 618108.

Submission:

Mendelics
Classification: Uncertain significance for Immunodeficiency 57. Last evaluated: 2026-03-05. Review status: criteria provided, single submitter. Criteria: ACMG Guidelines, 2015. Collection method: clinical testing. Allele origin: unknown.
Comment: The available evidence is insufficient to conclusively determine the role of this variant. Therefore, it is classified as a Variant of Uncertain Significance.